The following is an entry in ClinVar:

ClinVar aggregate classification (germline): Uncertain significance (1 of 4 stars; one submission).

Conditions:
Usher syndrome type 2C. Also called: Usher syndrome, type 2B; USHER SYNDROME, TYPE IIC. Identifiers: Orphanet 231178, Orphanet 886, MedGen C2931213, MONDO:0011558, OMIM 605472.
Febrile seizures, familial, 4 (FEB4). Also called: CONVULSIONS, FAMILIAL FEBRILE, 4. Identifiers: MedGen C1858493, MONDO:0011443, OMIM 604352.

Submission:

Juno Genomics, Hangzhou Juno Genomics, Inc
Classification: Uncertain significance for Febrile seizures, familial, 4; Usher syndrome type 2C. Review status: criteria provided, single submitter. Criteria: ACMG Guidelines, 2015. Collection method: clinical testing. Allele origin: germline.
Comment: Absent from controls (or at extremely low frequency if recessive) in Genome Aggregation Database.;For recessive disorders, detected in trans with a pathogenic variant.

NM_032119.4(ADGRV1):c.18917T>G (p.Leu6306Arg)

Gene: ADGRV1 (adhesion G protein-coupled receptor V1; plus strand). Cytogenetic location: 5q14.3.
Variant type: single nucleotide variant.
Coding change: c.18917T>G on transcript NM_032119.4 (MANE Select); coding-DNA position 18917, T replaced by G.
Protein change: p.Leu6306Arg; replaces leucine 6306 with arginine.
Molecular consequence: missense variant. On other transcripts: non-coding transcript variant (1).
Genome position (GRCh38, 1-based): chr5:91,163,896, T>G. VCF-style: chr5-91163896-T-G. GRCh37 (hg19) VCF-style: chr5-90459713-T-G.
Other names: short protein forms L6306R.
Identifiers: ClinVar variation 5006935 (VCV005006935.2).